The following is an entry in ClinVar:

ClinVar aggregate classification (germline): Uncertain significance (1 of 4 stars; one submission).

Allele frequency attached by ClinVar (database versions not stated): gnomAD 0.00001; gnomAD exomes 0.00003; ExAC 0.00007.
gnomAD v4.1: 42 of 1,611,898 alleles (0.0026%); highest among the groups gnomAD compares: South Asian, 0.046%; 1 homozygote.

Submission:

Labcorp Genetics (formerly Invitae), Labcorp
Classification: Uncertain significance. Last evaluated: 2022-08-20. Review status: criteria provided, single submitter. Criteria: Invitae Variant Classification Sherloc (09022015). Collection method: clinical testing. Allele origin: germline.
Comment: In summary, the available evidence is currently insufficient to determine the role of this variant in disease. Therefore, it has been classified as a Variant of Uncertain Significance. Algorithms developed to predict the effect of missense changes on protein structure and function are either unavailable or do not agree on the potential impact of this missense change (SIFT: "Deleterious"; PolyPhen-2: "Benign"; Align-GVGD: "Class C15"). This variant has not been reported in the literature in individuals affected with GFM2-related conditions. This variant is present in population databases (rs751674038, gnomAD 0.05%). This sequence change replaces valine, which is neutral and non-polar, with alanine, which is neutral and non-polar, at codon 235 of the GFM2 protein (p.Val235Ala).

NM_032380.5(GFM2):c.704T>C (p.Val235Ala)

Gene: GFM2 (GTP dependent ribosome recycling factor mitochondrial 2; minus strand). Cytogenetic location: 5q13.3.
Variant type: single nucleotide variant.
Coding change: c.704T>C on transcript NM_032380.5 (MANE Select); coding-DNA position 704, T replaced by C.
Protein change: p.Val235Ala; replaces valine 235 with alanine.
Molecular consequence: missense variant. On other transcripts: non-coding transcript variant (1).
Genome position (GRCh38, 1-based): chr5:74,745,823, A>G on the plus strand (T>C on the coding strand, the complement: GFM2 is on the minus strand). VCF-style: chr5-74745823-A-G. GRCh37 (hg19) VCF-style: chr5-74041648-A-G.
Other names: c.800T>C, p.Val267Ala (NM_001281302.2); c.704T>C, p.Val235Ala (NM_170681.3, NM_170691.3); short protein forms V235A, V267A.
Identifiers: ClinVar variation 2002266 (VCV002002266.4), dbSNP rs751674038, ClinGen allele CA3306703.